The following is an entry in ClinVar:

ClinVar aggregate classification (germline): Pathogenic (1 of 4 stars; one submission).

Submission:

Labcorp Genetics (formerly Invitae), Labcorp
Classification: Pathogenic. Last evaluated: 2023-08-04. Review status: criteria provided, single submitter. Criteria: Invitae Variant Classification Sherloc (09022015). Collection method: clinical testing. Allele origin: germline.
Comment: For these reasons, this variant has been classified as Pathogenic. ClinVar contains an entry for this variant (Variation ID: 1076114). This variant has not been reported in the literature in individuals affected with MYO7A-related conditions. This variant is not present in population databases (gnomAD no frequency). This sequence change creates a premature translational stop signal (p.Phe1479Serfs*70) in the MYO7A gene. It is expected to result in an absent or disrupted protein product. Loss-of-function variants in MYO7A are known to be pathogenic (PMID: 8900236, 25404053).

Literature cited by the submitters: PubMed 8900236; PubMed 25404053.

NM_000260.4(MYO7A):c.4436del (p.Phe1479fs)

Gene: MYO7A (myosin VIIA; plus strand). Cytogenetic location: 11q13.5.
Variant type: Deletion.
Coding change: c.4436del on transcript NM_000260.4 (MANE Select); coding-DNA position 4436, one base deleted (T; older notation c.4436delT).
Protein change: p.Phe1479fs; shifts the reading frame from phenylalanine 1479.
Molecular consequence: frameshift variant.
Genome position (GRCh38, 1-based): chr11:77,197,593, T deleted; the last of 2 consecutive T bases (chr11:77,197,592-77,197,593); deleting either gives the same sequence. VCF-style (leftmost placement, unchanged base first): chr11-77197591-AT-A. GRCh37 (hg19) VCF-style: chr11-76908636-AT-A.
Other names: c.4436del, p.Phe1479fs (NM_001127180.2); c.4403del, p.Phe1468fs (NM_001369365.1); short protein forms F1468fs, F1479fs.
Identifiers: ClinVar variation 1076114 (VCV001076114.7), dbSNP rs2135659017, ClinGen allele CA2499221334.
Genomic context (GRCh38, chr11:77,197,591, plus strand): 5'-GGTCAGTTATGCCCGCTTCAAGTGGCCCTTGCTCTTCTCCAGGTTTTATGAAGCCTACAA[AT>A]TCTCAGGTACCCCGCAGCCTGCAATGCTCCCAGTCCCTTGCTCTGTAGCTCCAGCCCACA-3'